The following is an entry in ClinVar:

NM_000051.4(ATM):c.7918A>C (p.Thr2640Pro)

Genes: ATM (ATM serine/threonine kinase; plus strand), C11orf65 (chromosome 11 open reading frame 65; minus strand). Cytogenetic location: 11q22.3.
Variant type: single nucleotide variant.
Coding change: c.7918A>C on transcript NM_000051.4 (MANE Select); coding-DNA position 7918, A replaced by C.
Protein change: p.Thr2640Pro; replaces threonine 2640 with proline.
Molecular consequence: missense variant. On other transcripts: intron variant (2).
Genome position (GRCh38, 1-based): chr11:108,332,891, A>C. VCF-style: chr11-108332891-A-C. GRCh37 (hg19) VCF-style: chr11-108203618-A-C.
Other names: c.7918A>C, p.Thr2640Pro (NM_001351834.2); c.641-23820T>G (NM_001330368.2); c.*38+2329T>G (NM_001351110.2); short protein forms T2640P.
Identifiers: ClinVar variation 2859728 (VCV002859728.4), dbSNP rs2136572907, ClinGen allele CA382561512.
Genomic context (GRCh38, chr11:108,332,891, plus strand): 5'-GTTGAGGCACTTTGTGATGCTTATATTATATTAGCAAACTTAGATGCCACTCAGTGGAAG[A>C]CTCAGAGAAGTATGTTTTTTTTAAAGAAGAAACGTTACTTTCTTGCTGTGTTACTCTCTG-3'
Protein context (NP_000042.3, residues 2630-2650): LANLDATQWK[Thr2640Pro]QRKGINIPAD

ClinVar aggregate classification (germline): Uncertain significance. Review status: criteria provided, multiple submitters, no conflicts (2 of 4 stars). 2 submissions from 2 submitters: Uncertain significance (2). Last evaluated 2026-07-16.

Conditions:
Ataxia-telangiectasia syndrome (AT). Also called: ATAXIA-TELANGIECTASIA, COMPLEMENTATION GROUP A; ATAXIA-TELANGIECTASIA, FRESNO VARIANT; Ataxia-telangiectasia; Ataxia-telangiectasia, complementation group E; LOUIS-BAR SYNDROME; Cerebello-oculocutaneous telangiectasia. Identifiers: Orphanet 100, MedGen C0004135, MONDO:0008840, OMIM 208900.
Hereditary cancer-predisposing syndrome. Also called: Tumor predisposition; Hereditary Cancer Syndrome; Hereditary neoplastic syndrome; Neoplastic Syndromes, Hereditary. Identifiers: Orphanet 140162, MedGen C0027672, MeSH D009386, MONDO:0015356.

Submissions (2):

Ambry Genetics
Classification: Uncertain significance for Hereditary cancer-predisposing syndrome. Last evaluated: 2026-07-16. Review status: criteria provided, single submitter. Criteria: Ambry Variant Classification Scheme 2023. Collection method: clinical testing. Allele origin: germline.
Comment: The p.T2640P variant (also known as c.7918A>C), located in coding exon 52 of the ATM gene, results from an A to C substitution at nucleotide position 7918. The threonine at codon 2640 is replaced by proline, an amino acid with highly similar properties. In an assay testing ATM function, this variant showed a functionally normal result (Lee KS et al. Cell, 2025 Sep;188:5081-5099.e27). This amino acid position is not well conserved in available vertebrate species. In addition, this alteration is predicted to be tolerated by in silico analysis. Based on the available evidence, the clinical significance of this variant remains unclear.

Labcorp Genetics (formerly Invitae), Labcorp
Classification: Uncertain significance for Ataxia-telangiectasia syndrome. Last evaluated: 2023-05-23. Review status: criteria provided, single submitter. Criteria: Invitae Variant Classification Sherloc (09022015). Collection method: clinical testing. Allele origin: germline.
Comment: In summary, the available evidence is currently insufficient to determine the role of this variant in disease. Therefore, it has been classified as a Variant of Uncertain Significance. This sequence change replaces threonine, which is neutral and polar, with proline, which is neutral and non-polar, at codon 2640 of the ATM protein (p.Thr2640Pro). This variant is not present in population databases (gnomAD no frequency). This variant has not been reported in the literature in individuals affected with ATM-related conditions. An algorithm developed to predict the effect of missense changes on protein structure and function (PolyPhen-2) suggests that this variant is likely to be tolerated.

Literature cited by the submitters: PubMed 40580951 (cited by Ambry Genetics).